The following is an entry in ClinVar:

NM_032830.3(UTP4):c.808T>C (p.Ser270Pro)

Gene: UTP4 (UTP4 small subunit processome component). Cytogenetic location: 16q22.1.
Variant type: single nucleotide variant.
Coding change: c.808T>C on transcript NM_032830.3 (MANE Select); coding-DNA position 808, T replaced by C.
Protein change: p.Ser270Pro; replaces serine 270 with proline.
Molecular consequence: missense variant.
Genome position (GRCh38, 1-based): chr16:69,150,606, T>C. VCF-style: chr16-69150606-T-C. GRCh37 (hg19) VCF-style: chr16-69184509-T-C.
Other names: c.559T>C, p.Ser187Pro (NM_001318391.2); short protein forms S270P, S187P.
Identifiers: ClinVar variation 4999043 (VCV004999043.1).

ClinVar aggregate classification (germline): Uncertain significance (1 of 4 stars; one submission).

Conditions:
UTP4-related disorder. Also called: UTP4-related condition.

gnomAD v4.1: 1 of 1,614,254 alleles (0.000062%); highest among the groups gnomAD compares: Non-Finnish European, 0.000085%; no homozygotes.

Submission:

PreventionGenetics, part of Exact Sciences
Classification: Uncertain significance for UTP4-related condition. Last evaluated: 2025-07-25. Review status: criteria provided, single submitter. Criteria: ACMG Guidelines, 2015. Collection method: clinical testing. Allele origin: germline.
Comment: The UTP4 c.808T>C variant is predicted to result in the amino acid substitution p.Ser270Pro. To our knowledge, this variant has not been reported in the literature or in a large population database (gnomAD), indicating this variant is rare. At this time, the clinical significance of this variant is uncertain due to the absence of conclusive functional and genetic evidence.